The following is an entry in ClinVar:

NM_006013.5(RPL10):c.*23C>T

Gene: RPL10 (ribosomal protein L10; plus strand). Cytogenetic location: Xq28.
Variant type: single nucleotide variant.
Coding change: c.*23C>T on transcript NM_006013.5 (MANE Select); 23 bases downstream of the stop codon, C replaced by T.
Molecular consequence: 3 prime UTR variant. On other transcripts: missense variant (1).
Genome position (GRCh38, 1-based): chrX:154,400,877, C>T. VCF-style: chrX-154400877-C-T. GRCh37 (hg19) VCF-style: chrX-153629218-C-T.
Other names: c.505C>T, p.Leu169Phe (NM_001256577.2); c.*23C>T (NM_001256580.2, NM_001303624.2, NM_001303625.1); c.*219C>T (NM_001303626.1); short protein forms L169F.
Identifiers: ClinVar variation 4873367 (VCV004873367.2).

ClinVar aggregate classification (germline): Likely benign (1 of 4 stars; one submission).

Submission:

CeGaT Center for Human Genetics Tuebingen
Classification: Likely benign. Last evaluated: 2026-05-01. Review status: criteria provided, single submitter. Criteria: CeGaT Center For Human Genetics Tuebingen Variant Classification Criteria Version 2. Collection method: clinical testing. Allele origin: germline. Affected: yes. Observed: 1 variant allele.
Comment: RPL10: BP4, BS2